The following is an entry in ClinVar:

NM_000400.4(ERCC2):c.1167C>T (p.Thr389=)

Gene: ERCC2 (ERCC excision repair 2, TFIIH core complex helicase subunit; minus strand). Cytogenetic location: 19q13.32.
Variant type: single nucleotide variant.
Coding change: c.1167C>T on transcript NM_000400.4 (MANE Select); coding-DNA position 1167, C replaced by T.
Protein change: p.Thr389=; no amino-acid change (threonine 389 retained).
Molecular consequence: synonymous variant.
Genome position (GRCh38, 1-based): chr19:45,361,594, G>A on the plus strand (C>T on the coding strand, the complement: ERCC2 is on the minus strand). VCF-style: chr19-45361594-G-A. GRCh37 (hg19) VCF-style: chr19-45864852-G-A.
Other names: c.1095C>T, p.Thr365= (NM_001130867.2).
Identifiers: ClinVar variation 763989 (VCV000763989.10), dbSNP rs765430756, ClinGen allele CA9513487.
Genomic context (GRCh38, chr19:45,361,594, plus strand): 5'-GGTGCTGACAAGGGTGGCAAAGTTAGCAAGGAGGGTGAGCGGGGAGAAGTCAGCAAGGTC[G>A]GTGATCTCCAGAGTATGCAGCAGGGACCGGAGGCGTTCAGCACAGAATCTGGCGGGGAGG-3'
Protein context (NP_000391.1, residues 379-399): LRSLLHTLEI[Thr389=]DLADFSPLTL

ClinVar aggregate classification (germline): Likely benign. Review status: criteria provided, multiple submitters, no conflicts (2 of 4 stars). 3 submissions from 3 submitters: Likely benign (3). Last evaluated 2026-05-01.

Conditions:
Inborn genetic diseases. Identifiers: MedGen C0950123, MeSH D030342.

Allele frequency attached by ClinVar (database versions not stated): gnomAD exomes 0.00002 and 0.00001; TOPMed 0.00002; gnomAD 0.00001; ExAC 0.00002.

Submissions (3):

CeGaT Center for Human Genetics Tuebingen
Classification: Likely benign. Last evaluated: 2026-05-01. Review status: criteria provided, single submitter. Criteria: CeGaT Center For Human Genetics Tuebingen Variant Classification Criteria Version 2. Collection method: clinical testing. Allele origin: germline. Affected: yes. Observed: 1 variant allele.
Comment: ERCC2: BP4, BP7

Labcorp Genetics (formerly Invitae), Labcorp
Classification: Likely benign. Last evaluated: 2025-06-15. Review status: criteria provided, single submitter. Criteria: Invitae Variant Classification Sherloc (09022015). Collection method: clinical testing. Allele origin: germline.

Ambry Genetics
Classification: Likely benign for Inborn genetic diseases. Last evaluated: 2022-02-27. Review status: criteria provided, single submitter. Criteria: Ambry Variant Classification Scheme 2023. Collection method: clinical testing. Allele origin: germline.